The following is an entry in ClinVar:

ClinVar aggregate classification (germline): Benign/Likely benign. Review status: criteria provided, multiple submitters, no conflicts (2 of 4 stars). 13 submissions from 13 submitters: Benign (3); Likely benign (5). 5 of the submissions do not count toward it. Last evaluated 2026-08-01.

Conditions:
Hypertrophic cardiomyopathy 26. Also called: Cardiomyopathy, familial hypertrophic, 26. Identifiers: Orphanet 75249, MedGen C4310749, MONDO:0014883, OMIM 617047.
Myofibrillar myopathy 5. Also called: FILAMINOPATHY, AUTOSOMAL DOMINANT; Filaminopathy (type). Identifiers: Orphanet 171445, MedGen C1836050, MONDO:0012289, OMIM 609524.
Distal myopathy with posterior leg and anterior hand involvement. Also called: WILLIAMS DISTAL MYOPATHY. Identifiers: Orphanet 63273, MedGen C3279722, MONDO:0013550, OMIM 614065.
FLNC-related disorder. Also called: FLNC-related disorders; FLNC-related condition.
Cardiovascular phenotype. Identifiers: MedGen CN230736.
Cardiomyopathy (CMYO). Also called: Cardiomyopathies. Identifiers: Orphanet 167848, MedGen C0878544, MONDO:0004994, HP:0001638. Inheritance: Various modes of inheritance.

Allele frequency attached by ClinVar (database versions not stated): ESP Exome Variant Server 0.00016; gnomAD 0.00051 and 0.00072; TOPMed 0.00081; ExAC 0.00127; gnomAD exomes 0.00135; 1000 Genomes Project 0.00280; 1000 Genomes Project 30x 0.00375.
gnomAD v4.1: 860 of 1,613,764 alleles (0.053%); highest among the groups gnomAD compares: East Asian, 1.3%; 9 homozygotes.

Submissions (13):

CeGaT Center for Human Genetics Tuebingen
Classification: Likely benign. Last evaluated: 2026-08-01. Review status: criteria provided, single submitter. Criteria: CeGaT Center For Human Genetics Tuebingen Variant Classification Criteria Version 2. Collection method: clinical testing. Allele origin: germline. Affected: yes. Observed: 4 variant alleles.
Comment: FLNC: BP4, BS1

Women's Health and Genetics/Laboratory Corporation of America, LabCorp
Classification: Likely benign. Last evaluated: 2026-02-23. Review status: criteria provided, single submitter. Criteria: LabCorp Variant Classification Summary - May 2015. Collection method: clinical testing. Allele origin: germline.

Labcorp Genetics (formerly Invitae), Labcorp
Classification: Benign for Distal myopathy with posterior leg and anterior hand involvement; Myofibrillar myopathy 5; Hypertrophic cardiomyopathy 26. Last evaluated: 2026-01-28. Review status: criteria provided, single submitter. Criteria: Invitae Variant Classification Sherloc (09022015). Collection method: clinical testing. Allele origin: germline.

Molecular Diagnostic Laboratory for Inherited Cardiovascular Disease, Montreal Heart Institute
Classification: Likely benign. Last evaluated: 2025-04-09. Review status: criteria provided, single submitter. Criteria: ACMG Guidelines, 2015. Collection method: clinical testing. Allele origin: germline. Affected: no.

Blueprint Genetics
Classification: Likely benign. Last evaluated: 2024-11-20. Review status: criteria provided, single submitter. Criteria: ACMG Guidelines, 2015. Collection method: clinical testing. Allele origin: germline.

CHEO Genetics Diagnostic Laboratory, Children's Hospital of Eastern Ontario
Classification: Benign for Cardiomyopathy. Last evaluated: 2023-04-03. Review status: criteria provided, single submitter. Criteria: ACMG Guidelines, 2015. Collection method: clinical testing. Allele origin: germline.

Ambry Genetics
Classification: Likely benign for Cardiovascular phenotype. Last evaluated: 2019-01-16. Review status: criteria provided, single submitter. Criteria: Ambry Variant Classification Scheme 2023. Collection method: clinical testing. Allele origin: germline.

GeneDx
Classification: Benign. Last evaluated: 2018-10-25. Review status: criteria provided, single submitter. Criteria: GeneDx Variant Classification Process June 2021. Collection method: clinical testing. Allele origin: germline. Affected: yes.

PreventionGenetics, part of Exact Sciences
Classification: Benign for FLNC-related condition. Last evaluated: 2024-06-03. Review status: no assertion criteria provided. Collection method: clinical testing. Allele origin: germline. Not counted in ClinVar's aggregate classification.
Comment: This variant is classified as benign based on ACMG/AMP sequence variant interpretation guidelines (Richards et al. 2015 PMID: 25741868, with internal and published modifications).

Clinical Genetics DNA and cytogenetics Diagnostics Lab, Erasmus MC, Erasmus Medical Center
Classification: Benign. Review status: no assertion criteria provided. Collection method: clinical testing. Allele origin: germline. Affected: yes. Study: VKGL Data-share Consensus. Not counted in ClinVar's aggregate classification.

Clinical Genetics, Academic Medical Center
Classification: Benign. Review status: no assertion criteria provided. Collection method: clinical testing. Allele origin: germline. Affected: yes. Study: VKGL Data-share Consensus. Not counted in ClinVar's aggregate classification.

Genetic Services Laboratory, University of Chicago
Classification: Likely benign for AllHighlyPenetrant. Review status: no assertion criteria provided. Collection method: clinical testing. Allele origin: germline. Inheritance: Autosomal dominant inheritance. Not counted in ClinVar's aggregate classification.
Comment: Likely benign based on allele frequency in 1000 Genomes Project or ESP global frequency and its presence in a patient with a rare or unrelated disease phenotype. NOT Sanger confirmed.

Genome Diagnostics Laboratory, University Medical Center Utrecht
Classification: Benign. Review status: no assertion criteria provided. Collection method: clinical testing. Allele origin: germline. Affected: yes. Study: VKGL Data-share Consensus. Not counted in ClinVar's aggregate classification.

NM_001458.5(FLNC):c.3757G>A (p.Val1253Ile)

Gene: FLNC (filamin C; plus strand). Cytogenetic location: 7q32.1.
Variant type: single nucleotide variant.
Coding change: c.3757G>A on transcript NM_001458.5 (MANE Select); coding-DNA position 3757, G replaced by A.
Protein change: p.Val1253Ile; replaces valine 1253 with isoleucine.
Molecular consequence: missense variant.
Genome position (GRCh38, 1-based): chr7:128,845,222, G>A. VCF-style: chr7-128845222-G-A. GRCh37 (hg19) VCF-style: chr7-128485276-G-A.
Other names: c.3757G>A, p.Val1253Ile (NM_001127487.2); short protein forms V1253I.
Identifiers: ClinVar variation 129086 (VCV000129086.35), dbSNP rs117366477, ClinGen allele CA152850.